The following is an entry in ClinVar:

ClinVar aggregate classification (germline): Uncertain significance (1 of 4 stars; one submission).

Allele frequency attached by ClinVar (database versions not stated): gnomAD exomes below 0.00001.

Submission:

Labcorp Genetics (formerly Invitae), Labcorp
Classification: Uncertain significance. Last evaluated: 2022-06-29. Review status: criteria provided, single submitter. Criteria: Invitae Variant Classification Sherloc (09022015). Collection method: clinical testing. Allele origin: germline.
Comment: In summary, the available evidence is currently insufficient to determine the role of this variant in disease. Therefore, it has been classified as a Variant of Uncertain Significance. Algorithms developed to predict the effect of missense changes on protein structure and function (SIFT, PolyPhen-2, Align-GVGD) all suggest that this variant is likely to be tolerated. This variant has not been reported in the literature in individuals affected with NDUFS3-related conditions. This variant is not present in population databases (gnomAD no frequency). This sequence change replaces leucine, which is neutral and non-polar, with valine, which is neutral and non-polar, at codon 114 of the NDUFS3 protein (p.Leu114Val).

NM_004551.3(NDUFS3):c.340T>G (p.Leu114Val)

Gene: NDUFS3 (NADH:ubiquinone oxidoreductase core subunit S3; plus strand). Cytogenetic location: 11p11.2.
Variant type: single nucleotide variant.
Coding change: c.340T>G on transcript NM_004551.3 (MANE Select); coding-DNA position 340, T replaced by G.
Protein change: p.Leu114Val; replaces leucine 114 with valine.
Molecular consequence: missense variant.
Genome position (GRCh38, 1-based): chr11:47,580,943, T>G. VCF-style: chr11-47580943-T-G. GRCh37 (hg19) VCF-style: chr11-47602495-T-G.
Other names: short protein forms L114V.
Identifiers: ClinVar variation 2012195 (VCV002012195.4), dbSNP rs2509731264, ClinGen allele CA380359085.